The following is an entry in ClinVar:

ClinVar aggregate classification (germline): Uncertain significance (1 of 4 stars; one submission).

Conditions:
Duchenne muscular dystrophy (DMD). Also called: MUSCULAR DYSTROPHY, PSEUDOHYPERTROPHIC PROGRESSIVE, DUCHENNE TYPE; Duchenne Muscular Dystrophy (DMD). Identifiers: Orphanet 98896, MedGen C0013264, MONDO:0010679, OMIM 310200.

gnomAD v4.1: 1 of 1,208,473 alleles (0.000083%); highest among the groups gnomAD compares: Non-Finnish European, 0.00011%; no homozygotes.

Submission:

Labcorp Genetics (formerly Invitae), Labcorp
Classification: Uncertain significance for Duchenne muscular dystrophy. Last evaluated: 2025-11-11. Review status: criteria provided, single submitter. Criteria: Invitae Variant Classification Sherloc (09022015). Collection method: clinical testing. Allele origin: germline.
Comment: This sequence change replaces leucine, which is neutral and non-polar, with glutamine, which is neutral and polar, at codon 1254 of the DMD protein (p.Leu1254Gln). This variant is not present in population databases (gnomAD no frequency). This variant has not been reported in the literature in individuals affected with DMD-related conditions. Invitae Evidence Modeling of protein sequence and biophysical properties (such as structural, functional, and spatial information, amino acid conservation, physicochemical variation, residue mobility, and thermodynamic stability) indicates that this missense variant is not expected to disrupt DMD protein function with a negative predictive value of 95%. In summary, the available evidence is currently insufficient to determine the role of this variant in disease. Therefore, it has been classified as a Variant of Uncertain Significance.

NM_004006.3(DMD):c.3761T>A (p.Leu1254Gln)

Gene: DMD (dystrophin; minus strand). Cytogenetic location: Xp21.1.
Variant type: single nucleotide variant.
Coding change: c.3761T>A on transcript NM_004006.3 (MANE Select); coding-DNA position 3761, T replaced by A.
Protein change: p.Leu1254Gln; replaces leucine 1254 with glutamine.
Molecular consequence: missense variant.
Genome position (GRCh38, 1-based): chrX:32,448,481, A>T on the plus strand (T>A on the coding strand, the complement: DMD is on the minus strand). VCF-style: chrX-32448481-A-T. GRCh37 (hg19) VCF-style: chrX-32466598-A-T.
Other names: c.3737T>A, p.Leu1246Gln (NM_000109.4); c.3749T>A, p.Leu1250Gln (NM_004009.3); c.3392T>A, p.Leu1131Gln (NM_004010.3); short protein forms L1246Q, L1250Q, L1254Q, L1131Q.
Identifiers: ClinVar variation 4772682 (VCV004772682.1).